The following is an entry in ClinVar:

ClinVar aggregate classification (germline): Pathogenic (1 of 4 stars; one submission).

Submission:

GeneDx
Classification: Pathogenic. Last evaluated: 2024-05-31. Review status: criteria provided, single submitter. Criteria: GeneDx Variant Classification Process June 2021. Collection method: clinical testing. Allele origin: germline.
Comment: In silico analysis supports that this missense variant has a deleterious effect on protein structure/function; Not observed at significant frequency in large population cohorts (gnomAD); Has not been previously published as pathogenic or benign to our knowledge

NM_005639.3(SYT1):c.1115A>G (p.Asp372Gly)

Gene: SYT1 (synaptotagmin 1; plus strand). Cytogenetic location: 12q21.2.
Variant type: single nucleotide variant.
Coding change: c.1115A>G on transcript NM_005639.3 (MANE Select); coding-DNA position 1115, A replaced by G.
Protein change: p.Asp372Gly; replaces aspartic acid 372 with glycine.
Molecular consequence: missense variant.
Genome position (GRCh38, 1-based): chr12:79,448,970, A>G. VCF-style: chr12-79448970-A-G. GRCh37 (hg19) VCF-style: chr12-79842750-A-G.
Other names: c.1115A>G, p.Asp372Gly (NM_001135805.2, NM_001135806.2, NM_001415938.1 and 2 more transcripts); c.1106A>G, p.Asp369Gly (NM_001291901.2, NM_001415941.1, NM_001415942.1 and 1 more transcripts); short protein forms D369G, D372G.
Identifiers: ClinVar variation 2504970 (VCV002504970.2), dbSNP rs2547786000, ClinGen allele CA385931905.